The following is an entry in ClinVar:

NM_001003699.4(RREB1):c.3464G>A (p.Arg1155Gln)

Gene: RREB1 (ras responsive element binding protein 1; plus strand). Cytogenetic location: 6p24.3.
Variant type: single nucleotide variant.
Coding change: c.3464G>A on transcript NM_001003699.4 (MANE Select); coding-DNA position 3464, G replaced by A.
Protein change: p.Arg1155Gln; replaces arginine 1155 with glutamine.
Molecular consequence: missense variant.
Genome position (GRCh38, 1-based): chr6:7,231,563, G>A. VCF-style: chr6-7231563-G-A. GRCh37 (hg19) VCF-style: chr6-7231796-G-A.
Other names: c.3464G>A, p.Arg1155Gln (NM_001003698.4, NM_001003700.2, NM_001168344.2); short protein forms R1155Q.
Identifiers: ClinVar variation 784493 (VCV000784493.30), dbSNP rs35521383, ClinGen allele CA3626191.

ClinVar aggregate classification (germline): Benign/Likely benign. Review status: criteria provided, multiple submitters, no conflicts (2 of 4 stars). 4 submissions from 4 submitters: Benign (2); Likely benign (1). 1 of the submissions does not count toward it. Last evaluated 2026-08-01.

Conditions:
RREB1-related disorder. Also called: RREB1-related condition.

Allele frequency attached by ClinVar (database versions not stated): 1000 Genomes Project 30x 0.00422; 1000 Genomes Project 0.00439; TOPMed 0.00872; gnomAD 0.00938 and 0.00962; gnomAD exomes 0.00938 and 0.01272; ExAC 0.00939; ESP Exome Variant Server 0.01061.
gnomAD v4.1: 19,830 of 1,610,262 alleles (1.2%); highest among the groups gnomAD compares: Non-Finnish European, 1.5%; 140 homozygotes.

Submissions (4):

CeGaT Center for Human Genetics Tuebingen
Classification: Benign. Last evaluated: 2026-08-01. Review status: criteria provided, single submitter. Criteria: CeGaT Center For Human Genetics Tuebingen Variant Classification Criteria Version 2. Collection method: clinical testing. Allele origin: germline. Affected: yes. Observed: 8 variant alleles.
Comment: RREB1: BS1, BS2

Women's Health and Genetics/Laboratory Corporation of America, LabCorp
Classification: Likely benign. Last evaluated: 2026-05-14. Review status: criteria provided, single submitter. Criteria: LabCorp Variant Classification Summary - May 2015. Collection method: clinical testing. Allele origin: germline.

Labcorp Genetics (formerly Invitae), Labcorp
Classification: Benign. Last evaluated: 2019-12-31. Review status: criteria provided, single submitter. Criteria: Invitae Variant Classification Sherloc (09022015). Collection method: clinical testing. Allele origin: germline.

PreventionGenetics, part of Exact Sciences
Classification: Benign for RREB1-related condition. Last evaluated: 2019-02-21. Review status: no assertion criteria provided. Collection method: clinical testing. Allele origin: germline. Not counted in ClinVar's aggregate classification.
Comment: This variant is classified as benign based on ACMG/AMP sequence variant interpretation guidelines (Richards et al. 2015 PMID: 25741868, with internal and published modifications).